The following is an entry in ClinVar:

NM_203447.4(DOCK8):c.3870G>A (p.Ala1290=)

Gene: DOCK8 (dedicator of cytokinesis 8; plus strand). Cytogenetic location: 9p24.3.
Variant type: single nucleotide variant.
Coding change: c.3870G>A on transcript NM_203447.4 (MANE Select); coding-DNA position 3870, G replaced by A.
Protein change: p.Ala1290=; no amino-acid change (alanine 1290 retained).
Molecular consequence: synonymous variant.
Genome position (GRCh38, 1-based): chr9:420,430, G>A. VCF-style: chr9-420430-G-A. GRCh37 (hg19) VCF-style: chr9-420430-G-A.
Other names: c.3570G>A, p.Ala1190= (NM_001190458.2); c.3666G>A, p.Ala1222= (NM_001193536.2); c.3870G>A (NM_203447.3).
Identifiers: ClinVar variation 1514562 (VCV001514562.8), dbSNP rs750379098, ClinGen allele CA4958866.

ClinVar aggregate classification (germline): Likely benign. Review status: criteria provided, single submitter (1 of 4 stars). 2 submissions from 2 submitters: Likely benign (1). 1 of the submissions does not count toward it. Last evaluated 2024-09-14.

Conditions:
Combined immunodeficiency due to DOCK8 deficiency (HIES2). Also called: DOCK8 Deficiency; HIES autosomal recessive; Hyper-IgE recurrent infection syndrome, autosomal recessive; HYPER-IgE RECURRENT INFECTION SYNDROME 2, AUTOSOMAL RECESSIVE; HYPER-IgE SYNDROME 2, AUTOSOMAL RECESSIVE, WITH RECURRENT INFECTIONS. Identifiers: Orphanet 217390, MedGen C4722305, MONDO:0009478, OMIM 243700.
DOCK8-related disorder. Also called: DOCK8-related condition.

Allele frequency attached by ClinVar (database versions not stated): ExAC 0.00001; gnomAD 0.00001; gnomAD exomes 0.00001; TOPMed 0.00001.
gnomAD v4.1: 12 of 1,613,978 alleles (0.00074%); highest among the groups gnomAD compares: Middle Eastern, 0.016%; no homozygotes.

Submissions (2):

Labcorp Genetics (formerly Invitae), Labcorp
Classification: Likely benign for Combined immunodeficiency due to DOCK8 deficiency. Last evaluated: 2024-09-14. Review status: criteria provided, single submitter. Criteria: Invitae Variant Classification Sherloc (09022015). Collection method: clinical testing. Allele origin: germline.

PreventionGenetics, part of Exact Sciences
Classification: Likely benign for DOCK8-related condition. Last evaluated: 2019-05-21. Review status: no assertion criteria provided. Collection method: clinical testing. Allele origin: germline. Not counted in ClinVar's aggregate classification.
Comment: This variant is classified as likely benign based on ACMG/AMP sequence variant interpretation guidelines (Richards et al. 2015 PMID: 25741868, with internal and published modifications).